The following is an entry in ClinVar:

NM_022168.4(IFIH1):c.708_712delinsTTTGGCTTCTTCTCTGAA (p.Glu236fs)

Gene: IFIH1 (interferon induced with helicase C domain 1; minus strand). Cytogenetic location: 2q24.2.
Variant type: Indel.
Coding change: c.708_712delinsTTTGGCTTCTTCTCTGAA on transcript NM_022168.4 (MANE Select); coding-DNA positions 708 to 712, GGTCT replaced by TTTGGCTTCTTCTCTGAA.
Protein change: p.Glu236fs; shifts the reading frame from glutamic acid 236.
Molecular consequence: frameshift variant.
Genome position (GRCh38, 1-based): chr2:162,306,766-162,306,770, AGACC replaced by TTCAGAGAAGAAGCCAAA on the plus strand (GGTCT replaced by TTTGGCTTCTTCTCTGAA on the coding strand, the reverse complement: IFIH1 is on the minus strand). VCF-style: chr2-162306766-AGACC-TTCAGAGAAGAAGCCAAA. GRCh37 (hg19) VCF-style: chr2-163163276-AGACC-TTCAGAGAAGAAGCCAAA.
Other names: short protein forms E236fs.
Identifiers: ClinVar variation 5006107 (VCV005006107.2).

ClinVar aggregate classification (germline): Uncertain significance (1 of 4 stars; one submission).

Conditions:
Immunodeficiency 95 (IMD95). Identifiers: MedGen C5676929, MONDO:0030692, OMIM 619773.
Singleton-Merten syndrome 1 (SGMRT1). Also called: Widened medullary cavities of bone, aortic calcification, abnormal dentition, and muscular weakness; Syndrome of widened medullary cavities of the metacarpals and phalanges, aortic calcification and abnormal dentition. Identifiers: Orphanet 85191, MedGen C4225427, MONDO:0024535, OMIM 182250.
Aicardi-Goutieres syndrome 7 (AGS7). Identifiers: Orphanet 51, MedGen C3888244, MONDO:0014367, OMIM 615846.

Submission:

Juno Genomics, Hangzhou Juno Genomics, Inc
Classification: Uncertain significance for Singleton-Merten syndrome 1; Aicardi-Goutieres syndrome 7; Immunodeficiency 95. Review status: criteria provided, single submitter. Criteria: ACMG Guidelines, 2015. Collection method: clinical testing. Allele origin: germline.
Comment: Absent from controls (or at extremely low frequency if recessive) in Genome Aggregation Database.